The following is an entry in ClinVar:

NM_001145358.2(SIN3A):c.1282C>T (p.Arg428Cys)

Gene: SIN3A (SIN3 transcription regulator family member A; minus strand). Cytogenetic location: 15q24.2.
Variant type: single nucleotide variant.
Coding change: c.1282C>T on transcript NM_001145358.2 (MANE Select); coding-DNA position 1282, C replaced by T.
Protein change: p.Arg428Cys; replaces arginine 428 with cysteine.
Molecular consequence: missense variant.
Genome position (GRCh38, 1-based): chr15:75,409,871, G>A on the plus strand (C>T on the coding strand, the complement: SIN3A is on the minus strand). VCF-style: chr15-75409871-G-A. GRCh37 (hg19) VCF-style: chr15-75702212-G-A.
Other names: c.1282C>T, p.Arg428Cys (NM_001145357.2, NM_015477.3); short protein forms R428C.
Identifiers: ClinVar variation 3026423 (VCV003026423.22), dbSNP rs1023368225, ClinGen allele CA272893397.

ClinVar aggregate classification (germline): Uncertain significance (1 of 4 stars; one submission).

Allele frequency attached by ClinVar (database versions not stated): gnomAD exomes below 0.00001; TOPMed below 0.00001.
gnomAD v4.1: 6 of 1,613,316 alleles (0.00037%); highest among the groups gnomAD compares: East Asian, 0.0022%; no homozygotes.

Submission:

CeGaT Center for Human Genetics Tuebingen
Classification: Uncertain significance. Last evaluated: 2024-01-01. Review status: criteria provided, single submitter. Criteria: CeGaT Center For Human Genetics Tuebingen Variant Classification Criteria Version 2. Collection method: clinical testing. Allele origin: germline. Affected: yes. Observed: 1 variant allele.
Comment: SIN3A: PM2